The following is an entry in ClinVar:

NM_001127222.2(CACNA1A):c.3324dup (p.Ile1109fs)

Gene: CACNA1A (calcium voltage-gated channel subunit alpha1 A; minus strand). Cytogenetic location: 19p13.13.
Variant type: Duplication.
Coding change: c.3324dup on transcript NM_001127222.2 (MANE Select); coding-DNA position 3324, one base duplicated (C; older notation c.3324dupC).
Protein change: p.Ile1109fs; shifts the reading frame from isoleucine 1109.
Molecular consequence: frameshift variant.
Genome position (GRCh38, 1-based): chr19:13,286,732, G duplicated on the plus strand (C on the coding strand, the reverse complement: CACNA1A is on the minus strand); the first of 2 consecutive G bases (chr19:13,286,732-13,286,733); duplicating either gives the same sequence. VCF-style (leftmost placement, unchanged base first): chr19-13286731-T-TG. GRCh37 (hg19) VCF-style: chr19-13397545-T-TG.
Other names: c.3336dup, p.Ile1113fs (NM_000068.4, NM_023035.3); c.3327dup, p.Ile1110fs (NM_001127221.2, NM_001174080.2); c.3327dup (NM_001127221.1); short protein forms I1109fs, I1110fs, I1113fs.
Identifiers: ClinVar variation 3340311 (VCV003340311.1).
Genomic context (GRCh38, chr19:13,286,731, plus strand): 5'-CCGGGTTGTTGGGCGTCCGGCGGCTGGCGGCGTTCTGGGGGTTGGTGGCCATGGCAGGGA[T>TG]GGCCAGCATGGGGCCGGGGTCGGTGCTGTTTCCCATCTTGGCTGGGCTCTGGGGCAGGCC-3'

ClinVar aggregate classification (germline): Pathogenic (1 of 4 stars; one submission).

Submission:

GeneDx
Classification: Pathogenic. Last evaluated: 2024-02-08. Review status: criteria provided, single submitter. Criteria: GeneDx Variant Classification Process June 2021. Collection method: clinical testing. Allele origin: germline. Affected: yes.
Comment: Frameshift variant predicted to result in protein truncation in a gene for which loss of function is a known mechanism of disease; Has not been previously published as pathogenic or benign to our knowledge